The following is an entry in ClinVar:

NM_002143.3(HPCA):c.529C>G (p.Pro177Ala)

Gene: HPCA (hippocalcin; plus strand). Cytogenetic location: 1p35.1.
Variant type: single nucleotide variant.
Coding change: c.529C>G on transcript NM_002143.3 (MANE Select); coding-DNA position 529, C replaced by G.
Protein change: p.Pro177Ala; replaces proline 177 with alanine.
Molecular consequence: missense variant.
Genome position (GRCh38, 1-based): chr1:32,893,809, C>G. VCF-style: chr1-32893809-C-G. GRCh37 (hg19) VCF-style: chr1-33359410-C-G.
Other names: short protein forms P177A.
Identifiers: ClinVar variation 2008046 (VCV002008046.4), dbSNP rs1641513408, ClinGen allele CA339682539.
Genomic context (GRCh38, chr1:32,893,809, plus strand): 5'-TCCCCTCGCCCTGCAGGCAAGCTGTCCTTGGAGGAGTTCATCCGCGGGGCCAAAAGCGAC[C>G]CGTCCATCGTGCGTCTGCTGCAGTGCGACCCCAGCAGCGCCTCCCAGTTCTGAGAGGAGC-3'
Protein context (NP_002134.2, residues 167-187): EEFIRGAKSD[Pro177Ala]SIVRLLQCDP

ClinVar aggregate classification (germline): Uncertain significance (1 of 4 stars; one submission).

Allele frequency attached by ClinVar (database versions not stated): gnomAD 0.00001.
gnomAD v4.1: 1 of 1,581,336 alleles (0.000063%); highest among the groups gnomAD compares: Non-Finnish European, 0.000086%; no homozygotes.

Submission:

Labcorp Genetics (formerly Invitae), Labcorp
Classification: Uncertain significance. Last evaluated: 2025-04-07. Review status: criteria provided, single submitter. Criteria: Invitae Variant Classification Sherloc (09022015). Collection method: clinical testing. Allele origin: germline.
Comment: This sequence change replaces proline, which is neutral and non-polar, with alanine, which is neutral and non-polar, at codon 177 of the HPCA protein (p.Pro177Ala). This variant is not present in population databases (gnomAD no frequency). This variant has not been reported in the literature in individuals affected with HPCA-related conditions. ClinVar contains an entry for this variant (Variation ID: 2008046). An algorithm developed to predict the effect of missense changes on protein structure and function (PolyPhen-2) suggests that this variant is likely to be tolerated. In summary, the available evidence is currently insufficient to determine the role of this variant in disease. Therefore, it has been classified as a Variant of Uncertain Significance.